The following is an entry in ClinVar:

ClinVar aggregate classification (germline): Uncertain significance (1 of 4 stars; one submission).

Conditions:
Norman-Roberts syndrome (LIS2). Also called: Lissencephaly 2 (Norman-Roberts type). Identifiers: Orphanet 89844, MedGen C0796089, MONDO:0009760, OMIM 257320.
Familial temporal lobe epilepsy 7. Identifiers: Orphanet 101046, MedGen C4225327, MONDO:0014639, OMIM 616436.

Submission:

Labcorp Genetics (formerly Invitae), Labcorp
Classification: Uncertain significance for Familial temporal lobe epilepsy 7; Norman-Roberts syndrome. Last evaluated: 2025-09-16. Review status: criteria provided, single submitter. Criteria: Invitae Variant Classification Sherloc (09022015). Collection method: clinical testing. Allele origin: germline.
Comment: This sequence change replaces asparagine, which is neutral and polar, with lysine, which is basic and polar, at codon 305 of the RELN protein (p.Asn305Lys). This variant is not present in population databases (gnomAD no frequency). This variant has not been reported in the literature in individuals affected with RELN-related conditions. Invitae Evidence Modeling of protein sequence and biophysical properties (such as structural, functional, and spatial information, amino acid conservation, physicochemical variation, residue mobility, and thermodynamic stability) indicates that this missense variant is not expected to disrupt RELN protein function with a negative predictive value of 80%. In summary, the available evidence is currently insufficient to determine the role of this variant in disease. Therefore, it has been classified as a Variant of Uncertain Significance.

NM_005045.4(RELN):c.915T>G (p.Asn305Lys)

Gene: RELN (reelin; minus strand). Cytogenetic location: 7q22.1.
Variant type: single nucleotide variant.
Coding change: c.915T>G on transcript NM_005045.4 (MANE Select); coding-DNA position 915, T replaced by G.
Protein change: p.Asn305Lys; replaces asparagine 305 with lysine.
Molecular consequence: missense variant.
Genome position (GRCh38, 1-based): chr7:103,698,081, A>C on the plus strand (T>G on the coding strand, the complement: RELN is on the minus strand). VCF-style: chr7-103698081-A-C. GRCh37 (hg19) VCF-style: chr7-103338528-A-C.
Other names: c.915T>G, p.Asn305Lys (NM_173054.3); short protein forms N305K.
Identifiers: ClinVar variation 4783215 (VCV004783215.1).